The following is an entry in ClinVar:

ClinVar aggregate classification (germline): Conflicting classifications of pathogenicity. Review status: criteria provided, conflicting classifications (1 of 4 stars). 4 submissions from 4 submitters: Uncertain significance (3); Likely benign (1). Last evaluated 2026-10-06.

Conditions:
USH1C-related disorder. Also called: USH1C-related condition.

Allele frequency attached by ClinVar (database versions not stated): gnomAD exomes 0.00004 and 0.00007; ExAC 0.00005; gnomAD 0.00005 and 0.00006; 1000 Genomes Project 0.00020; 1000 Genomes Project 30x 0.00016.
gnomAD v4.1: 70 of 1,592,050 alleles (0.0044%); highest among the groups gnomAD compares: Middle Eastern, 0.066%; no homozygotes.

Submissions (4):

GeneDx
Classification: Uncertain significance. Last evaluated: 2026-10-06. Review status: criteria provided, single submitter. Criteria: GeneDx Variant Classification Process June 2021. Collection method: clinical testing. Allele origin: germline.
Comment: Reported with a second variant in an individual with sensorineural hearing loss; however, additional clinical information was not included (PMID: 37811145); In silico analysis suggests that this missense variant does not alter protein structure/function; Reported using an alternate transcript of the gene; This variant is associated with the following publications: (PMID: 37811145, 38844983)

PreventionGenetics, part of Exact Sciences
Classification: Uncertain significance for USH1C-related condition. Last evaluated: 2026-06-16. Review status: criteria provided, single submitter. Criteria: ACMG Guidelines, 2015. Collection method: clinical testing. Allele origin: germline.
Comment: The USH1C c.1597G>A variant is predicted to result in the amino acid substitution p.Ala533Thr. This variant is intronic in an alternative transcript NM_005709:c.1284+7629G>A. This variant has been reported in heterozygous state in an individual with hearing loss, however information whether second variant was present was not provided (Table 3, Tlili et al. 2024. PubMed ID: 38844983). This variant is reported in 0.028% of alleles in individuals of Latino descent in gnomAD. At this time, the clinical significance of this variant is uncertain due to the absence of conclusive functional and genetic evidence.

Labcorp Genetics (formerly Invitae), Labcorp
Classification: Likely benign. Last evaluated: 2020-09-01. Review status: criteria provided, single submitter. Criteria: Invitae Variant Classification Sherloc (09022015). Collection method: clinical testing. Allele origin: germline.

Laboratory for Molecular Medicine, Mass General Brigham Personalized Medicine
Classification: Uncertain significance. Last evaluated: 2014-11-07. Review status: criteria provided, single submitter. Criteria: LMM Criteria. Collection method: clinical testing. Allele origin: germline. Observed: 1 variant allele.
Comment: Variant classified as Uncertain Significance - Favor Benign. The p.Ala533Thr var iant in USH1C has not been previously reported in individuals with hearing loss, but has been identified in 0.8% (1/128) of Mexican ancestry chromosomes by the 1000 Genomes Project (dbSNP rs201104489). The Alanine (Ala) at position 533 is c onserved in mammals, but at least one mammal (orangutan) is reported to carry a Threonine (Thr) at this position, raising the possibility that this change may b e tolerated. Additional computational prediction tools do not provide strong sup port for or against an impact to the protein. In summary, while the clinical sig nificance of the p.Ala533Thr variant is uncertain, these data suggest that it is more likely to be benign.

NM_153676.4(USH1C):c.1597G>A (p.Ala533Thr)

Gene: USH1C (USH1 protein network component harmonin; minus strand). Cytogenetic location: 11p15.1.
Variant type: single nucleotide variant.
Coding change: c.1597G>A on transcript NM_153676.4 (MANE Select); coding-DNA position 1597, G replaced by A.
Protein change: p.Ala533Thr; replaces alanine 533 with threonine.
Molecular consequence: missense variant. On other transcripts: intron variant (2).
Genome position (GRCh38, 1-based): chr11:17,509,772, C>T on the plus strand (G>A on the coding strand, the complement: USH1C is on the minus strand). VCF-style: chr11-17509772-C-T. GRCh37 (hg19) VCF-style: chr11-17531319-C-T.
Other names: c.1227+7629G>A (NM_001297764.2); c.1284+7629G>A (NM_005709.4); short protein forms A533T.
Identifiers: ClinVar variation 166382 (VCV000166382.17), dbSNP rs201104489, ClinGen allele CA179478.